The following is an entry in ClinVar:

NM_152617.4(RNF168):c.1520A>G (p.His507Arg)

Gene: RNF168 (ring finger protein 168; minus strand). Cytogenetic location: 3q29.
Variant type: single nucleotide variant.
Coding change: c.1520A>G on transcript NM_152617.4 (MANE Select); coding-DNA position 1520, A replaced by G.
Protein change: p.His507Arg; replaces histidine 507 with arginine.
Molecular consequence: missense variant.
Genome position (GRCh38, 1-based): chr3:196,472,015, T>C on the plus strand (A>G on the coding strand, the complement: RNF168 is on the minus strand). VCF-style: chr3-196472015-T-C. GRCh37 (hg19) VCF-style: chr3-196198886-T-C.
Other names: short protein forms H507R.
Identifiers: ClinVar variation 1717320 (VCV001717320.3), dbSNP rs2474274741, ClinGen allele CA355615101.

ClinVar aggregate classification (germline): Uncertain significance (1 of 4 stars; one submission).

Allele frequency attached by ClinVar (database versions not stated): gnomAD exomes below 0.00001.
gnomAD v4.1: 5 of 1,614,176 alleles (0.00031%); highest among the groups gnomAD compares: Non-Finnish European, 0.00042%; no homozygotes.

Submission:

Labcorp Genetics (formerly Invitae), Labcorp
Classification: Uncertain significance. Last evaluated: 2022-08-21. Review status: criteria provided, single submitter. Criteria: Invitae Variant Classification Sherloc (09022015). Collection method: clinical testing. Allele origin: germline.
Comment: This sequence change replaces histidine, which is basic and polar, with arginine, which is basic and polar, at codon 507 of the RNF168 protein (p.His507Arg). This variant is not present in population databases (gnomAD no frequency). This variant has not been reported in the literature in individuals affected with RNF168-related conditions. Algorithms developed to predict the effect of missense changes on protein structure and function output the following: SIFT: "Tolerated"; PolyPhen-2: "Benign"; Align-GVGD: "Class C0". The arginine amino acid residue is found in multiple mammalian species, which suggests that this missense change does not adversely affect protein function. In summary, the available evidence is currently insufficient to determine the role of this variant in disease. Therefore, it has been classified as a Variant of Uncertain Significance.